The following is an entry in ClinVar:

NM_001042492.3(NF1):c.7088T>C (p.Ile2363Thr)

Gene: NF1 (neurofibromin 1; plus strand). Cytogenetic location: 17q11.2.
Variant type: single nucleotide variant.
Coding change: c.7088T>C on transcript NM_001042492.3 (MANE Select); coding-DNA position 7088, T replaced by C.
Protein change: p.Ile2363Thr; replaces isoleucine 2363 with threonine.
Molecular consequence: missense variant.
Genome position (GRCh38, 1-based): chr17:31,343,034, T>C. VCF-style: chr17-31343034-T-C. GRCh37 (hg19) VCF-style: chr17-29670052-T-C.
Other names: c.7025T>C, p.Ile2342Thr (NM_000267.4); short protein forms I2363T, I2342T.
Identifiers: ClinVar variation 3404682 (VCV003404682.4).

ClinVar aggregate classification (germline): Uncertain significance. Review status: criteria provided, multiple submitters, no conflicts (2 of 4 stars). 2 submissions from 2 submitters: Uncertain significance (2). Last evaluated 2026-07-13.

Conditions:
Neurofibromatosis, type 1 (NF1). Also called: NEUROFIBROMATOSIS, TYPE I, SOMATIC; VON RECKLINGHAUSEN DISEASE; Neurofibromatosis, type I; Peripheral type neurofibromatosis. Identifiers: Orphanet 636, MedGen C0027831, MONDO:0018975, OMIM 162200. Disease mechanism: loss of function.
Hereditary cancer-predisposing syndrome. Also called: Tumor predisposition; Hereditary Cancer Syndrome; Hereditary neoplastic syndrome; Neoplastic Syndromes, Hereditary. Identifiers: Orphanet 140162, MedGen C0027672, MeSH D009386, MONDO:0015356.
Cardiovascular phenotype. Identifiers: MedGen CN230736.

Submissions (2):

Ambry Genetics
Classification: Uncertain significance for Cardiovascular phenotype; Hereditary cancer-predisposing syndrome. Last evaluated: 2026-07-13. Review status: criteria provided, single submitter. Criteria: Ambry Variant Classification Scheme 2023. Collection method: clinical testing. Allele origin: germline.
Comment: The p.I2342T variant (also known as c.7025T>C), located in coding exon 47 of the NF1 gene, results from a T to C substitution at nucleotide position 7025. The isoleucine at codon 2342 is replaced by threonine, an amino acid with similar properties. This amino acid position is conserved. In addition, this alteration is predicted to be tolerated by in silico analysis. Based on the available evidence, the clinical significance of this variant remains unclear.

Labcorp Genetics (formerly Invitae), Labcorp
Classification: Uncertain significance for Neurofibromatosis, type 1. Last evaluated: 2024-06-15. Review status: criteria provided, single submitter. Criteria: Invitae Variant Classification Sherloc (09022015). Collection method: clinical testing. Allele origin: germline.
Comment: This sequence change replaces isoleucine, which is neutral and non-polar, with threonine, which is neutral and polar, at codon 2342 of the NF1 protein (p.Ile2342Thr). This variant is not present in population databases (gnomAD no frequency). This variant has not been reported in the literature in individuals affected with NF1-related conditions. Advanced modeling of protein sequence and biophysical properties (such as structural, functional, and spatial information, amino acid conservation, physicochemical variation, residue mobility, and thermodynamic stability) performed at Invitae indicates that this missense variant is not expected to disrupt NF1 protein function with a negative predictive value of 95%. In summary, the available evidence is currently insufficient to determine the role of this variant in disease. Therefore, it has been classified as a Variant of Uncertain Significance.